The following is an entry in ClinVar:

ClinVar aggregate classification (germline): Uncertain significance (1 of 4 stars; one submission).

Conditions:
Familial cold autoinflammatory syndrome 4 (FCAS4). Identifiers: Orphanet 47045, Orphanet 576349, MedGen C4015276, MONDO:0014498, OMIM 616115.
Periodic fever-infantile enterocolitis-autoinflammatory syndrome. Also called: Autoinflammation with infantile enterocolitis. Identifiers: Orphanet 436166, MedGen C4015067, MONDO:0014472, OMIM 616050.

gnomAD v4.1: 2 of 1,613,942 alleles (0.00012%); highest among the groups gnomAD compares: Non-Finnish European, 0.000085%; no homozygotes.

Submission:

Labcorp Genetics (formerly Invitae), Labcorp
Classification: Uncertain significance for Periodic fever-infantile enterocolitis-autoinflammatory syndrome; Familial cold autoinflammatory syndrome 4. Last evaluated: 2022-07-25. Review status: criteria provided, single submitter. Criteria: Invitae Variant Classification Sherloc (09022015). Collection method: clinical testing. Allele origin: germline.
Comment: In summary, the available evidence is currently insufficient to determine the role of this variant in disease. Therefore, it has been classified as a Variant of Uncertain Significance. Algorithms developed to predict the effect of missense changes on protein structure and function (SIFT, PolyPhen-2, Align-GVGD) all suggest that this variant is likely to be tolerated. ClinVar contains an entry for this variant (Variation ID: 1401795). This variant has not been reported in the literature in individuals affected with NLRC4-related conditions. This variant is not present in population databases (gnomAD no frequency). This sequence change replaces lysine, which is basic and polar, with arginine, which is basic and polar, at codon 975 of the NLRC4 protein (p.Lys975Arg).

NM_001199138.2(NLRC4):c.2924A>G (p.Lys975Arg)

Gene: NLRC4 (NLR family CARD domain containing 4; minus strand). Cytogenetic location: 2p22.3.
Variant type: single nucleotide variant.
Coding change: c.2924A>G on transcript NM_001199138.2 (MANE Select); coding-DNA position 2924, A replaced by G.
Protein change: p.Lys975Arg; replaces lysine 975 with arginine.
Molecular consequence: missense variant.
Genome position (GRCh38, 1-based): chr2:32,224,624, T>C on the plus strand (A>G on the coding strand, the complement: NLRC4 is on the minus strand). VCF-style: chr2-32224624-T-C. GRCh37 (hg19) VCF-style: chr2-32449693-T-C.
Other names: c.2924A>G, p.Lys975Arg (NM_001199139.2, NM_021209.5); c.929A>G, p.Lys310Arg (NM_001302504.2); short protein forms K975R, K310R.
Identifiers: ClinVar variation 1401795 (VCV001401795.8), dbSNP rs945779246, ClinGen allele CA44797544.